The following is an entry in ClinVar:

ClinVar aggregate classification (germline): Conflicting classifications of pathogenicity. Review status: criteria provided, conflicting classifications (1 of 4 stars). 3 submissions from 3 submitters: Uncertain significance (1); Likely benign (1). 1 of the submissions does not count toward it. Last evaluated 2025-07-21.

Conditions:
Meckel-Gruber syndrome. Also called: DYSENCEPHALIA SPLANCHNOCYSTICA; GRUBER SYNDROME; Dysencephalia splachnocystica. Identifiers: Orphanet 564, MedGen C0265215, MONDO:0018921.
Joubert syndrome. Also called: Familial aplasia of the vermis; JOUBERT-BOLTSHAUSER SYNDROME. Identifiers: Orphanet 475, MedGen C5979921, MONDO:0018772.
MKS1-related disorder. Also called: MKS1-related condition; MKS1-related disorders. Identifiers: MedGen CN239382.

Allele frequency attached by ClinVar (database versions not stated): gnomAD exomes 0.00004 and 0.00002; gnomAD 0.00011; 1000 Genomes Project 0.00020; TOPMed 0.00022; ESP Exome Variant Server 0.00025; 1000 Genomes Project 30x 0.00047; ExAC 0.00004.
gnomAD v4.1: 45 of 1,613,880 alleles (0.0028%); highest among the groups gnomAD compares: African/African-American, 0.056%; no homozygotes.

Submissions (3):

Labcorp Genetics (formerly Invitae), Labcorp
Classification: Likely benign for Joubert syndrome; Meckel-Gruber syndrome. Last evaluated: 2025-07-21. Review status: criteria provided, single submitter. Criteria: Invitae Variant Classification Sherloc (09022015). Collection method: clinical testing. Allele origin: germline.

Eurofins Ntd Llc (ga)
Classification: Uncertain significance. Last evaluated: 2017-03-28. Review status: criteria provided, single submitter. Criteria: EGL Classification Definitions 2015. Collection method: clinical testing. Allele origin: germline. Observed: 1 variant allele, 1 heterozygote.

PreventionGenetics, part of Exact Sciences
Classification: Uncertain significance for MKS1-related condition. Last evaluated: 2024-05-28. Review status: no assertion criteria provided. Collection method: clinical testing. Allele origin: germline. Not counted in ClinVar's aggregate classification.
Comment: The MKS1 c.1522C>G variant is predicted to result in the amino acid substitution p.Pro508Ala. To our knowledge, this variant has not been reported in the literature. This variant is reported in 0.046% of alleles in individuals of African descent in gnomAD. At this time, the clinical significance of this variant is uncertain due to the absence of conclusive functional and genetic evidence.

NM_017777.4(MKS1):c.1605C>G (p.Ala535=)

Gene: MKS1 (MKS transition zone complex subunit 1; minus strand). Cytogenetic location: 17q22.
Variant type: single nucleotide variant.
Coding change: c.1605C>G on transcript NM_017777.4 (MANE Select); coding-DNA position 1605, C replaced by G.
Protein change: p.Ala535=; no amino-acid change (alanine 535 retained).
Molecular consequence: synonymous variant. On other transcripts: missense variant (1), 3 prime UTR variant (1).
Genome position (GRCh38, 1-based): chr17:58,206,154, G>C on the plus strand (C>G on the coding strand, the complement: MKS1 is on the minus strand). VCF-style: chr17-58206154-G-C. GRCh37 (hg19) VCF-style: chr17-56283515-G-C.
Other names: c.1522C>G (NM_001321269.1); c.996C>G, p.Ala332= (NM_001321268.2); c.1522C>G, p.Pro508Ala (NM_001321269.2); c.*17C>G (NM_001330397.2); short protein forms P508A.
Identifiers: ClinVar variation 501078 (VCV000501078.16), dbSNP rs35493987, ClinGen allele CA8669062.